The following is an entry in ClinVar:

ClinVar aggregate classification (germline): Likely benign (1 of 4 stars; one submission).

Submission:

CeGaT Center for Human Genetics Tuebingen
Classification: Likely benign. Last evaluated: 2026-06-01. Review status: criteria provided, single submitter. Criteria: CeGaT Center For Human Genetics Tuebingen Variant Classification Criteria Version 2. Collection method: clinical testing. Allele origin: germline. Affected: yes. Observed: 1 variant allele.
Comment: CCM2: PM2:Supporting, BP4, BP7

NM_031443.4(CCM2):c.528C>A (p.Gly176=)

Gene: CCM2 (CCM2 scaffold protein; plus strand). Cytogenetic location: 7p13.
Variant type: single nucleotide variant.
Coding change: c.528C>A on transcript NM_031443.4 (MANE Select); coding-DNA position 528, C replaced by A.
Protein change: p.Gly176=; no amino-acid change (glycine 176 retained).
Molecular consequence: synonymous variant. On other transcripts: non-coding transcript variant (1), intron variant (1).
Genome position (GRCh38, 1-based): chr7:45,068,498, C>A. VCF-style: chr7-45068498-C-A. GRCh37 (hg19) VCF-style: chr7-45108097-C-A.
Other names: c.591C>A, p.Gly197= (NM_001029835.2); c.354C>A, p.Gly118= (NM_001167934.2, NM_001363459.2); c.528C>A, p.Gly176= (NM_001363458.2); c.472+3852C>A (NM_001167935.2).
Identifiers: ClinVar variation 4875223 (VCV004875223.2).